The following is an entry in ClinVar:

NM_001005388.3(NFASC):c.3556G>T (p.Glu1186Ter)

Gene: NFASC (neurofascin; plus strand). Cytogenetic location: 1q32.1.
Variant type: single nucleotide variant.
Coding change: c.3556G>T on transcript NM_001005388.3 (MANE Select); coding-DNA position 3556, G replaced by T.
Protein change: p.Glu1186Ter; replaces glutamic acid 1186 with a stop codon.
Molecular consequence: nonsense.
Genome position (GRCh38, 1-based): chr1:205,016,372, G>T. VCF-style: chr1-205016372-G-T. GRCh37 (hg19) VCF-style: chr1-204985500-G-T.
Other names: c.3403G>T, p.Glu1135Ter (NM_001160331.2); c.3358G>T, p.Glu1120Ter (NM_001160332.2); c.3022G>T, p.Glu1008Ter (NM_001365986.1); c.3877G>T, p.Glu1293Ter (NM_001378329.1); c.3343G>T, p.Glu1115Ter (NM_015090.4); short protein forms E1008*, E1115*, E1120*, E1135*, E1186*, E1293*.
Identifiers: ClinVar variation 976449 (VCV000976449.1), dbSNP rs773245304, ClinGen allele CA344391600.
Genomic context (GRCh38, chr1:205,016,372, plus strand): 5'-GAGGACAACAAGCCCCTGCAGGGCAGTCAGACATCTCTGGACGGCACCATCAAGCAGCAG[G>T]AGAGTGACGACAGCCTGGTGGACTATGGCGAGGGTGGCGAGGGTCAGTTCAATGAAGACG-3'

ClinVar aggregate classification (germline): Likely pathogenic (0 of 4 stars; one submission).

Conditions:
Neurodevelopmental disorder with central and peripheral motor dysfunction. Identifiers: MedGen C5193049, MONDO:0032698, OMIM 618356.

Submission:

Clinical Genomics Laboratory, Stanford Medicine
Classification: Likely pathogenic for Neurodevelopmental disorder with central and peripheral motor dysfunction. Last evaluated: 2019-08-08. Review status: no assertion criteria provided. Collection method: clinical testing. Allele origin: germline. Inheritance: Autosomal recessive inheritance. Affected: yes.
Comment: The p.Glu1115* variant in the NFASC gene has not been previously reported in association with disease. This variant was determined to be in trans with a likely pathogenic, consistent with autosomal recessive inheritance. The presence of this variant with a likely disease causing variant on the opposite allele increases suspicion for its pathogenicity. The p.Glu1115* was absent from large population databases, including the Genome Aggregation Database. The p.Glu1115* variant leads to a premature termination in the last exon of NFASC. Premature termination at this location is not predicted to undergo nonsense-mediated decay, increasing the likelihood of an expressed protein. These data were assessed using the ACMG/AMP variant interpretation guidelines. In summary, there is sufficient evidence to classify the p.Glu1115* variant as likely pathogenic for NFASC-associated neurodevelopmental disorder with central and peripheral motor dysfunction autosomal recessive manner based on the information above. [ACMG evidence codes used: PVS1_Moderate; PM2; PM3]